The following is an entry in ClinVar:

NM_001374385.1(ATP8B1):c.1685C>A (p.Ala562Asp)

Gene: ATP8B1 (ATPase phospholipid transporting 8B1; minus strand). Cytogenetic location: 18q21.31.
Variant type: single nucleotide variant.
Coding change: c.1685C>A on transcript NM_001374385.1 (MANE Select); coding-DNA position 1685, C replaced by A.
Protein change: p.Ala562Asp; replaces alanine 562 with aspartic acid.
Molecular consequence: missense variant.
Genome position (GRCh38, 1-based): chr18:57,674,968, G>T on the plus strand (C>A on the coding strand, the complement: ATP8B1 is on the minus strand). VCF-style: chr18-57674968-G-T. GRCh37 (hg19) VCF-style: chr18-55342200-G-T.
Other names: c.1685C>A (NM_005603.4); c.1535C>A, p.Ala512Asp (NM_001374386.1); c.1685C>A, p.Ala562Asp (NM_005603.6); short protein forms A512D, A562D.
Identifiers: ClinVar variation 4742056 (VCV004742056.2).

ClinVar aggregate classification (germline): Uncertain significance. Review status: criteria provided, multiple submitters, no conflicts (2 of 4 stars). 2 submissions from 2 submitters: Uncertain significance (2). Last evaluated 2025-06-10.

Conditions:
ATP8B1-related disorder. Also called: ATP8B1-related condition; ATP8B1-related disorders.

Submissions (2):

Labcorp Genetics (formerly Invitae), Labcorp
Classification: Uncertain significance. Last evaluated: 2025-06-10. Review status: criteria provided, single submitter. Criteria: Invitae Variant Classification Sherloc (09022015). Collection method: clinical testing. Allele origin: germline.
Comment: This sequence change replaces alanine, which is neutral and non-polar, with aspartic acid, which is acidic and polar, at codon 562 of the ATP8B1 protein (p.Ala562Asp). This variant is not present in population databases (gnomAD no frequency). This variant has not been reported in the literature in individuals affected with ATP8B1-related conditions. Invitae Evidence Modeling of protein sequence and biophysical properties (such as structural, functional, and spatial information, amino acid conservation, physicochemical variation, residue mobility, and thermodynamic stability) indicates that this missense variant is expected to disrupt ATP8B1 protein function with a positive predictive value of 80%. Algorithms developed to predict the effect of sequence changes on RNA splicing suggest that this variant may create or strengthen a splice site. In summary, the available evidence is currently insufficient to determine the role of this variant in disease. Therefore, it has been classified as a Variant of Uncertain Significance.

PreventionGenetics, part of Exact Sciences
Classification: Uncertain significance for ATP8B1-related condition. Last evaluated: 2025-05-21. Review status: criteria provided, single submitter. Criteria: ACMG Guidelines, 2015. Collection method: clinical testing. Allele origin: germline.
Comment: The ATP8B1 c.1685C>A variant is predicted to result in the amino acid substitution p.Ala562Asp. To our knowledge, this variant has not been reported in the literature or in a large population database (gnomAD), indicating this variant is rare. At this time, the clinical significance of this variant is uncertain due to the absence of conclusive functional and genetic evidence.